The following is an entry in ClinVar:

NM_000276.4(OCRL):c.1031T>C (p.Val344Ala)

Gene: OCRL (OCRL inositol polyphosphate-5-phosphatase; plus strand). Cytogenetic location: Xq26.1.
Variant type: single nucleotide variant.
Coding change: c.1031T>C on transcript NM_000276.4 (MANE Select); coding-DNA position 1031, T replaced by C.
Protein change: p.Val344Ala; replaces valine 344 with alanine.
Molecular consequence: missense variant.
Genome position (GRCh38, 1-based): chrX:129,562,475, T>C. VCF-style: chrX-129562475-T-C. GRCh37 (hg19) VCF-style: chrX-128696452-T-C.
Other names: c.1034T>C, p.Val345Ala (NM_001318784.2); c.1031T>C, p.Val344Ala (NM_001587.4); c.1031T>C (NM_000276.3); short protein forms V344A, V345A.
Identifiers: ClinVar variation 2158148 (VCV002158148.4), dbSNP rs377451884, ClinGen allele CA10512127.
Genomic context (GRCh38, chrX:129,562,475, plus strand): 5'-TTCTTATATTTGCCAGAAAGGATCAGTGTCGATACATTCGTGATATTGCTACAGAAACAG[T>C]TGGAACTGGAATCATGGGGAAAATGGTGAGTTACTTTGGAAATGAGCTTGATTATTATTC-3'
Protein context (NP_000267.2, residues 334-354): RYIRDIATET[Val344Ala]GTGIMGKMGN

ClinVar aggregate classification (germline): Uncertain significance. Review status: criteria provided, multiple submitters, no conflicts (2 of 4 stars). 3 submissions from 3 submitters: Uncertain significance (3). Last evaluated 2026-07-08.

Conditions:
Nephrolithiasis/nephrocalcinosis. Identifiers: MedGen CN580796.
Lowe syndrome (OCRL). Also called: LOWE OCULOCEREBRORENAL SYNDROME; PHOSPHATIDYLINOSITOL 4,5-BISPHOSPHATE 5-PHOSPHATASE DEFICIENCY; Oculocerebrorenal Syndrome. Identifiers: Orphanet 534, MedGen C0028860, MONDO:0010645, OMIM 309000.
Dent disease type 2. Identifiers: Orphanet 1652, Orphanet 93623, MedGen C1845167, MONDO:0010359, OMIM 300555.

Allele frequency attached by ClinVar (database versions not stated): TOPMed 0.00003; gnomAD 0.00001; ExAC 0.00001; ESP Exome Variant Server 0.00009; gnomAD exomes 0.00005.

Submissions (3):

Ambry Genetics
Classification: Uncertain significance for Nephrolithiasis/nephrocalcinosis. Last evaluated: 2026-07-08. Review status: criteria provided, single submitter. Criteria: Ambry Variant Classification Scheme 2023. Collection method: clinical testing. Allele origin: germline.
Comment: The c.1031T>C (p.V344A) alteration is located in exon 11 (coding exon 11) of the OCRL gene. This alteration results from a T to C substitution at nucleotide position 1031, causing the valine (V) at amino acid position 344 to be replaced by an alanine (A). Based on data from gnomAD, the C allele has an overall frequency of 0.001% (2/183427) total alleles studied. The highest observed frequency was 0.008% (1/13160) of African alleles. Based on insufficient or conflicting evidence, the clinical significance of this alteration remains unclear.

Labcorp Genetics (formerly Invitae), Labcorp
Classification: Uncertain significance for Lowe syndrome. Last evaluated: 2025-08-26. Review status: criteria provided, single submitter. Criteria: Invitae Variant Classification Sherloc (09022015). Collection method: clinical testing. Allele origin: germline.
Comment: This sequence change replaces valine, which is neutral and non-polar, with alanine, which is neutral and non-polar, at codon 344 of the OCRL protein (p.Val344Ala). This variant is present in population databases (rs377451884, gnomAD 0.008%). This variant has not been reported in the literature in individuals affected with OCRL-related conditions. ClinVar contains an entry for this variant (Variation ID: 2158148). Invitae Evidence Modeling of protein sequence and biophysical properties (such as structural, functional, and spatial information, amino acid conservation, physicochemical variation, residue mobility, and thermodynamic stability) indicates that this missense variant is not expected to disrupt OCRL protein function with a negative predictive value of 80%. In summary, the available evidence is currently insufficient to determine the role of this variant in disease. Therefore, it has been classified as a Variant of Uncertain Significance.

Fulgent Genetics
Classification: Uncertain significance for Dent disease type 2; Lowe syndrome. Last evaluated: 2024-05-18. Review status: criteria provided, single submitter. Criteria: ACMG Guidelines, 2015. Collection method: clinical testing. Allele origin: germline.